The following is an entry in ClinVar:

ClinVar aggregate classification (germline): Likely benign (1 of 4 stars; one submission).

Conditions:
Hereditary leiomyomatosis and renal cell cancer. Also called: MULTIPLE CUTANEOUS AND UTERINE LEIOMYOMATA 1, WITH OR WITHOUT RENAL CELL CARCINOMA; LEIOMYOMA, MULTIPLE CUTANEOUS; FH tumor predisposition syndrome; Reed syndrome; Multiple cutaneous and uterine leiomyomatosis; Cutaneous leiomyomata with uterine leiomyomata. Identifiers: Orphanet 523, MedGen C1708350, MONDO:0007888, OMIM 150800, HP:0007437. Disease mechanism: loss of function.

Submission:

Myriad Genetics, Inc.
Classification: Likely benign for Hereditary leiomyomatosis and renal cell cancer. Last evaluated: 2024-10-21. Review status: criteria provided, single submitter. Criteria: Myriad Autosomal Dominant, Autosomal Recessive and X-Linked Classification Criteria (2023). Collection method: clinical testing. Allele origin: unknown.
Comment: This variant is considered likely benign. This variant is intronic and is not expected to impact mRNA splicing.

NM_000143.4(FH):c.1109-17T>C

Gene: FH (fumarate hydratase; minus strand). Cytogenetic location: 1q43.
Variant type: single nucleotide variant.
Coding change: c.1109-17T>C on transcript NM_000143.4 (MANE Select); 17 bases into the intron before coding-DNA position 1109, T replaced by C.
Molecular consequence: intron variant.
Genome position (GRCh38, 1-based): chr1:241,502,587, A>G on the plus strand (T>C on the coding strand, the complement: FH is on the minus strand). VCF-style: chr1-241502587-A-G. GRCh37 (hg19) VCF-style: chr1-241665887-A-G.
Identifiers: ClinVar variation 3773063 (VCV003773063.1).
Genomic context (GRCh38, chr1:241,502,587, plus strand): 5'-TGCAACCATGGTCATTGCTTCACACTGAGTAGGGTTCACCTTGCCTTCAAGAAAACCACC[A>G]ATGACAGAGTAAAGACTAAATTTATGCAAATAATCAGGAGAATAAAGAAATCTAATTTCA-3'